The following is an entry in ClinVar:

ClinVar aggregate classification (germline): Uncertain significance (1 of 4 stars; one submission).

Submission:

Labcorp Genetics (formerly Invitae), Labcorp
Classification: Uncertain significance. Last evaluated: 2025-11-19. Review status: criteria provided, single submitter. Criteria: Invitae Variant Classification Sherloc (09022015). Collection method: clinical testing. Allele origin: germline.
Comment: This sequence change replaces alanine, which is neutral and non-polar, with proline, which is neutral and non-polar, at codon 616 of the TRPV6 protein (p.Ala616Pro). This variant is not present in population databases (gnomAD no frequency). This variant has not been reported in the literature in individuals affected with TRPV6-related conditions. Experimental studies and prediction algorithms are not available or were not evaluated, and the functional significance of this variant is currently unknown. In summary, the available evidence is currently insufficient to determine the role of this variant in disease. Therefore, it has been classified as a Variant of Uncertain Significance.

NM_018646.6(TRPV6):c.1846G>C (p.Ala616Pro)

Gene: TRPV6 (transient receptor potential cation channel subfamily V member 6; minus strand). Cytogenetic location: 7q34.
Variant type: single nucleotide variant.
Coding change: c.1846G>C on transcript NM_018646.6 (MANE Select); coding-DNA position 1846, G replaced by C.
Protein change: p.Ala616Pro; replaces alanine 616 with proline.
Molecular consequence: missense variant.
Genome position (GRCh38, 1-based): chr7:142,873,510, C>G on the plus strand (G>C on the coding strand, the complement: TRPV6 is on the minus strand). VCF-style: chr7-142873510-C-G. GRCh37 (hg19) VCF-style: chr7-142571263-C-G.
Other names: short protein forms A616P.
Identifiers: ClinVar variation 4731526 (VCV004731526.1).